The following is an entry in ClinVar:

ClinVar aggregate classification (germline): Likely benign. Review status: criteria provided, multiple submitters, no conflicts (2 of 4 stars). 4 submissions from 4 submitters: Likely benign (4). Last evaluated 2025-12-28.

Conditions:
CYFIP2-related disorder. Also called: CYFIP2-related condition.

Allele frequency attached by ClinVar (database versions not stated): ExAC 0.00027; TOPMed 0.00029; gnomAD 0.00031 and 0.00033; gnomAD exomes 0.00031 and 0.00061; ESP Exome Variant Server 0.00050.
gnomAD v4.1: 915 of 1,613,728 alleles (0.057%); highest among the groups gnomAD compares: Non-Finnish European, 0.074%; 1 homozygote.

Submissions (4):

Labcorp Genetics (formerly Invitae), Labcorp
Classification: Likely benign. Last evaluated: 2025-12-28. Review status: criteria provided, single submitter. Criteria: Invitae Variant Classification Sherloc (09022015). Collection method: clinical testing. Allele origin: germline.

PreventionGenetics, part of Exact Sciences
Classification: Likely benign for CYFIP2-related condition. Last evaluated: 2025-01-02. Review status: criteria provided, single submitter. Criteria: ACMG Guidelines, 2015. Collection method: clinical testing. Allele origin: germline.
Comment: This variant is classified as likely benign based on ACMG/AMP sequence variant interpretation guidelines (Richards et al. 2015 PMID: 25741868, with internal and published modifications).

Blueprint Genetics
Classification: Likely benign. Last evaluated: 2024-09-19. Review status: criteria provided, single submitter. Criteria: ACMG Guidelines, 2015. Collection method: clinical testing. Allele origin: germline.

CeGaT Center for Human Genetics Tuebingen
Classification: Likely benign. Last evaluated: 2023-12-01. Review status: criteria provided, single submitter. Criteria: CeGaT Center For Human Genetics Tuebingen Variant Classification Criteria Version 2. Collection method: clinical testing. Allele origin: germline. Affected: yes. Observed: 1 variant allele.
Comment: CYFIP2: BP4, BP7

NM_001037333.3(CYFIP2):c.3162C>T (p.Ala1054=)

Genes: CYFIP2 (cytoplasmic FMR1 interacting protein 2; plus strand), NIPAL4-DT (NIPAL4 divergent transcript; minus strand). Cytogenetic location: 5q33.3.
Variant type: single nucleotide variant.
Coding change: c.3162C>T on transcript NM_001037333.3 (MANE Select); coding-DNA position 3162, C replaced by T.
Protein change: p.Ala1054=; no amino-acid change (alanine 1054 retained).
Molecular consequence: synonymous variant.
Genome position (GRCh38, 1-based): chr5:157,383,314, C>T. VCF-style: chr5-157383314-C-T. GRCh37 (hg19) VCF-style: chr5-156810322-C-T.
Other names: c.3237C>T (NM_001291722.1); c.3084C>T, p.Ala1028= (NM_001291721.2); c.3237C>T, p.Ala1079= (NM_001291722.2); c.3162C>T, p.Ala1054= (NM_014376.4).
Identifiers: ClinVar variation 1624001 (VCV001624001.32), dbSNP rs372007539, ClinGen allele CA3534258.